The following is an entry in ClinVar:

NM_001040142.2(SCN2A):c.*792A>G

Gene: SCN2A (sodium voltage-gated channel alpha subunit 2; plus strand). Cytogenetic location: 2q24.3.
Variant type: single nucleotide variant.
Coding change: c.*792A>G on transcript NM_001040142.2 (MANE Select); 792 bases downstream of the stop codon, A replaced by G.
Molecular consequence: 3 prime UTR variant.
Genome position (GRCh38, 1-based): chr2:165,390,616, A>G. VCF-style: chr2-165390616-A-G. GRCh37 (hg19) VCF-style: chr2-166247126-A-G.
Other names: c.*792A>G (NM_001040143.2, NM_001371246.1, NM_001371247.1 and 1 more transcripts).
Identifiers: ClinVar variation 331749 (VCV000331749.5), dbSNP rs539290679, ClinGen allele CA10612424.

ClinVar aggregate classification (germline): Likely benign (1 of 4 stars; one submission).

Conditions:
Seizures, benign familial infantile, 3 (BFIS3). Also called: CONVULSIONS, BENIGN FAMILIAL INFANTILE, 3; Familial neonatal seizures. Identifiers: Orphanet 140927, Orphanet 306, MedGen C1843140, MONDO:0011904, OMIM 607745.

Allele frequency attached by ClinVar (database versions not stated): 1000 Genomes Project 30x 0.00016; 1000 Genomes Project 0.00020; gnomAD 0.00068 and 0.00074; TOPMed 0.00088.

Submission:

Illumina Laboratory Services, Illumina
Classification: Likely benign for Seizures, benign familial infantile, 3. Last evaluated: 2017-04-27. Review status: criteria provided, single submitter. Criteria: ICSL Variant Classification Criteria 13 December 2019. Collection method: clinical testing. Allele origin: germline.
Comment: This variant was observed as part of a predisposition screen in an ostensibly healthy population. A literature search was performed for the gene, cDNA change, and amino acid change (where applicable). No publications were found based on this search. Allele frequency data from public databases allowed determination this variant is unlikely to cause disease. Therefore, this variant is classified as likely benign.